The following is an entry in ClinVar:

ClinVar aggregate classification (germline): Uncertain significance (1 of 4 stars; one submission).

Conditions:
Malignant hyperthermia, susceptibility to, 1 (MHS1). Also called: Anesthesia related hyperthermia; Malignant hyperpyrexia; Fulminating hyperpyrexia; Pharmacogenic myopathy; RYR1-Related Malignant Hyperthermia Susceptibility; Malignant hyperthermia suceptibility 1. Identifiers: Orphanet 423, MedGen C2930980, MONDO:0007783, OMIM 145600.

Submission:

All of Us Research Program, National Institutes of Health
Classification: Uncertain significance for Malignant hyperthermia, susceptibility to, 1. Last evaluated: 2023-07-10. Review status: criteria provided, single submitter. Criteria: ACMG Guidelines, 2015. Collection method: clinical testing. Allele origin: germline. Inheritance: Autosomal dominant inheritance. Observed: 1 variant allele, 1 heterozygote.
Comment: This variant causes an in-frame insertion of 7 amino acids in the RYR1 protein. To our knowledge, functional studies have not been reported for this variant. This variant has not been reported in individuals affected with RYR1-related disorders in the literature. This variant has not been identified in the general population by the Genome Aggregation Database (gnomAD). The available evidence is insufficient to determine the role of this variant in disease conclusively. Therefore, this variant is classified as a Variant of Uncertain Significance.

This study involves interpretation of variants in research participants for the purpose of population health screening. Participant phenotype was not available at the time of variant classification. Additional details can be found in publication PMID: 35346344, PMCID: PMC8962531

NM_000540.3(RYR1):c.5661_5681dup (p.Glu1898_Thr1899insLysGluGluAspGluGluGlu)

Gene: RYR1 (ryanodine receptor 1; plus strand). Cytogenetic location: 19q13.2.
Variant type: Duplication.
Coding change: c.5661_5681dup on transcript NM_000540.3 (MANE Select); coding-DNA positions 5661 to 5681, 21 bases duplicated (AGATGAGGAGGAGAAGGAGGA).
Protein change: p.Glu1898_Thr1899insLysGluGluAspGluGluGlu.
Molecular consequence: inframe insertion.
Genome position (GRCh38, 1-based): chr19:38,489,290-38,489,310, AGATGAGGAGGAGAAGGAGGA duplicated; duplicating any 21 consecutive bases within chr19:38,489,285-38,489,310 gives the same sequence; the c. name uses the placement nearest the transcript's 3' end. VCF-style (leftmost placement, unchanged base first): chr19-38489284-A-AGAGGAAGATGAGGAGGAGAAG. GRCh37 (hg19) VCF-style: chr19-38979924-A-AGAGGAAGATGAGGAGGAGAAG.
Other names: c.5661_5681dup, p.Glu1898_Thr1899insLysGluGluAspGluGluGlu (NM_001042723.2).
Identifiers: ClinVar variation 3072425 (VCV003072425.1), dbSNP rs2514245996, ClinGen allele CA2825002786.
Genomic context (GRCh38, chr19:38,489,284, plus strand): 5'-GATTGAGCCTGAGGTCTTCACTGAGGAAGAAGAGGAGGAGGACGAGGAGGAAGAGGGTGA[A>AGAGGAAGATGAGGAGGAGAAG]GAGGAAGATGAGGAGGAGAAGGAGGAGGATGAGGAGGAAACAGCACAGGAAAAGGAAGAT-3'